The following is an entry in ClinVar:

NM_012309.5(SHANK2):c.4991T>C (p.Ile1664Thr)

Gene: SHANK2 (SH3 and multiple ankyrin repeat domains 2; minus strand). Cytogenetic location: 11q13.3.
Variant type: single nucleotide variant.
Coding change: c.4991T>C on transcript NM_012309.5 (MANE Select); coding-DNA position 4991, T replaced by C.
Protein change: p.Ile1664Thr; replaces isoleucine 1664 with threonine.
Molecular consequence: missense variant. On other transcripts: non-coding transcript variant (1).
Genome position (GRCh38, 1-based): chr11:70,473,428, A>G on the plus strand (T>C on the coding strand, the complement: SHANK2 is on the minus strand). VCF-style: chr11-70473428-A-G. GRCh37 (hg19) VCF-style: chr11-70319533-A-G.
Other names: c.3854T>C, p.Ile1285Thr (NM_001379226.1); c.3227T>C, p.Ile1076Thr (NM_133266.5); short protein forms I1076T, I1664T, I1285T.
Identifiers: ClinVar variation 212168 (VCV000212168.39), dbSNP rs150857128, ClinGen allele CA214649.
Genomic context (GRCh38, chr11:70,473,428, plus strand): 5'-GTGCCGGGGCGAACAGTGAAGGTGACCGTCGTGCTCCGTGTACCTGAGATGGTGCTCATG[A>G]TCTCCGGGCTTCTGAAACAGCAACACAGAGAAAACCATCACAAGGCAGGTCACCGAGTCA-3'
Protein context (NP_036441.2, residues 1654-1674): SASLAPRSPE[Ile1664Thr]MSTISGTRST

ClinVar aggregate classification (germline): Benign/Likely benign. Review status: criteria provided, multiple submitters, no conflicts (2 of 4 stars). 6 submissions from 6 submitters: Benign (1); Likely benign (4). 1 of the submissions does not count toward it. Last evaluated 2026-07-01.

Conditions:
Autism, susceptibility to, 17. Also called: Autism susceptibility 17. Identifiers: MedGen C3150693, MONDO:0013265, OMIM 613436.

Allele frequency attached by ClinVar (database versions not stated): 1000 Genomes Project 0.00140; 1000 Genomes Project 30x 0.00156; TOPMed 0.00290; ESP Exome Variant Server 0.00293; gnomAD 0.00363 and 0.00372; gnomAD exomes 0.00394 and 0.00476; ExAC 0.00441.
gnomAD v4.1: 7,379 of 1,603,872 alleles (0.46%); highest among the groups gnomAD compares: Non-Finnish European, 0.53%; 23 homozygotes.

Submissions (6):

CeGaT Center for Human Genetics Tuebingen
Classification: Likely benign. Last evaluated: 2026-07-01. Review status: criteria provided, single submitter. Criteria: CeGaT Center For Human Genetics Tuebingen Variant Classification Criteria Version 2. Collection method: clinical testing. Allele origin: germline. Affected: yes. Observed: 18 variant alleles.
Comment: SHANK2: BP4, BS2

Blueprint Genetics
Classification: Likely benign. Last evaluated: 2024-11-14. Review status: criteria provided, single submitter. Criteria: ACMG Guidelines, 2015. Collection method: clinical testing. Allele origin: germline.

Labcorp Genetics (formerly Invitae), Labcorp
Classification: Benign. Last evaluated: 2019-12-31. Review status: criteria provided, single submitter. Criteria: Invitae Variant Classification Sherloc (09022015). Collection method: clinical testing. Allele origin: germline.

Genetic Services Laboratory, University of Chicago
Classification: Likely benign. Last evaluated: 2015-11-13. Review status: criteria provided, single submitter. Criteria: ACMG Guidelines, 2015. Collection method: clinical testing. Allele origin: germline. Affected: no.

Clinical Genetics DNA and cytogenetics Diagnostics Lab, Erasmus MC, Erasmus Medical Center
Classification: Likely benign for Autism, susceptibility to, 17. Last evaluated: 2015-05-06. Review status: criteria provided, single submitter. Criteria: ACGS Guidelines, 2013. Collection method: clinical testing. Allele origin: germline. Affected: yes. Study: VKGL Data-share Consensus.

Diagnostic Laboratory, Department of Genetics, University Medical Center Groningen
Classification: Likely benign for Autism, susceptibility to, 17. Review status: no assertion criteria provided. Collection method: clinical testing. Allele origin: germline. Affected: yes. Study: VKGL Data-share Consensus. Not counted in ClinVar's aggregate classification.